The following is an entry in ClinVar:

NM_000037.4(ANK1):c.4145del (p.Leu1382fs)

Gene: ANK1 (ankyrin 1; minus strand). Cytogenetic location: 8p11.21.
Variant type: Deletion.
Coding change: c.4145del on transcript NM_000037.4 (MANE Select); coding-DNA position 4145, one base deleted (T; older notation c.4145delT).
Protein change: p.Leu1382fs; shifts the reading frame from leucine 1382.
Molecular consequence: frameshift variant.
Genome position (GRCh38, 1-based): chr8:41,688,549, A deleted on the plus strand (T on the coding strand, the reverse complement: ANK1 is on the minus strand). VCF-style (leftmost placement, unchanged base first): chr8-41688548-CA-C. GRCh37 (hg19) VCF-style: chr8-41546066-CA-C.
Other names: c.4268del, p.Leu1423fs (NM_001142446.2); c.4145del, p.Leu1382fs (NM_020475.3, NM_020476.3, NM_020477.3); short protein forms L1382fs, L1423fs.
Identifiers: ClinVar variation 3766521 (VCV003766521.1).

ClinVar aggregate classification (germline): Likely pathogenic (1 of 4 stars; one submission).

Conditions:
Hereditary spherocytosis type 1. Also called: Spherocytosis type 1; ANK1-Related Spherocytosis. Identifiers: Orphanet 822, MedGen C2674218, MONDO:0008447, OMIM 182900.

Submission:

ARUP Laboratories, Molecular Genetics and Genomics, ARUP Laboratories
Classification: Likely pathogenic for Hereditary spherocytosis type 1. Last evaluated: 2024-03-20. Review status: criteria provided, single submitter. Criteria: ARUP Molecular Germline Variant Investigation Process 2024. Collection method: clinical testing. Allele origin: germline.
Comment: The ANK1 c.4145del; p.Leu1382ArgfsTer24 variant is reported in the literature in one individual affected with dominant hereditary spherocytosis (Ozcan 2003). This variant is absent from the Genome Aggregation Database (v2.1.1), indicating it is not a common polymorphism. This variant causes a frameshift by deleting a single nucleotide, so it is predicted to result in a truncated protein or mRNA subject to nonsense-mediated decay. Based on available information, this variant is considered to be likely pathogenic. References: Ozcan R et al. Simultaneous (AC)n microsatellite polymorphism analysis and single-stranded conformation polymorphism screening is an efficient strategy for detecting ankyrin-1 mutations in dominant hereditary spherocytosis. Br J Haematol. 2003 Aug. PMID: 12899723.